The following is an entry in ClinVar:

NM_004082.5(DCTN1):c.442C>T (p.Arg148Trp)

Gene: DCTN1 (dynactin subunit 1; minus strand). Cytogenetic location: 2p13.1.
Variant type: single nucleotide variant.
Coding change: c.442C>T on transcript NM_004082.5 (MANE Select); coding-DNA position 442, C replaced by T.
Protein change: p.Arg148Trp; replaces arginine 148 with tryptophan.
Molecular consequence: missense variant. On other transcripts: intron variant (2).
Genome position (GRCh38, 1-based): chr2:74,372,939, G>A on the plus strand (C>T on the coding strand, the complement: DCTN1 is on the minus strand). VCF-style: chr2-74372939-G-A. GRCh37 (hg19) VCF-style: chr2-74600066-G-A.
Other names: c.40C>T, p.Arg14Trp (NM_001135041.3, NM_023019.4); c.421C>T, p.Arg141Trp (NM_001190837.2); c.391C>T, p.Arg131Trp (NM_001378991.1); c.373C>T, p.Arg125Trp (NM_001378992.1); c.343-1211C>T (NM_001190836.2); c.394-1211C>T (NM_001135040.3); short protein forms R148W, R14W, R141W, R125W, R131W.
Identifiers: ClinVar variation 447238 (VCV000447238.15), dbSNP rs148810193, ClinGen allele CA1722418.

ClinVar aggregate classification (germline): Conflicting classifications of pathogenicity. Review status: criteria provided, conflicting classifications (1 of 4 stars). 6 submissions from 6 submitters: Uncertain significance (5); Likely benign (1). Last evaluated 2026-06-30.

Conditions:
DCTN1-related disorder. Also called: DCTN1-related condition.
Neuronopathy, distal hereditary motor, type 7B. Also called: HMN VIIB; LOWER MOTOR NEURON DISEASE, DYNACTIN TYPE; NEURONOPATHY, DISTAL HEREDITARY MOTOR, AUTOSOMAL DOMINANT 14; NEURONOPATHY, DISTAL HEREDITARY MOTOR, HARDING TYPE VIIB; NEUROPATHY, DISTAL HEREDITARY MOTOR, HARDING TYPE VIIB; NEUROPATHY, DISTAL HEREDITARY MOTOR, WITH VOCAL CORD PARALYSIS, HARDING TYPE VIIB. Identifiers: Orphanet 139589, MedGen C1843315, MONDO:0011879, OMIM 607641.
Perry syndrome. Also called: PARKINSONISM WITH ALVEOLAR HYPOVENTILATION AND MENTAL DEPRESSION. Identifiers: Orphanet 178509, MedGen C1868594, MONDO:0008201, OMIM 168605.
Amyotrophic lateral sclerosis type 1 (ALS1). Also called: AMYOTROPHIC LATERAL SCLEROSIS 1, FAMILIAL. Identifiers: Orphanet 803, MedGen C1862939, MONDO:0007103, OMIM 105400.

Allele frequency attached by ClinVar (database versions not stated): gnomAD 0.00003; TOPMed 0.00004; ESP Exome Variant Server 0.00008; ExAC 0.00014.

Submissions (6):

PreventionGenetics, part of Exact Sciences
Classification: Uncertain significance for DCTN1-related condition. Last evaluated: 2026-06-30. Review status: criteria provided, single submitter. Criteria: ACMG Guidelines, 2015. Collection method: clinical testing. Allele origin: germline.
Comment: The DCTN1 c.442C>T variant is predicted to result in the amino acid substitution p.Arg148Trp. This variant was reported in a study of individuals with amyotrophic lateral sclerosis (ALS), although the p.Arg148Trp substitution did not result in any cellular morphology changes in an in vitro study (Stockmann et al. 2012. PubMed ID: 23143281). This variant is reported in 0.015% of alleles in individuals of European (Non-Finnish) descent in gnomAD. At this time, the clinical significance of this variant is uncertain due to the absence of conclusive functional and genetic evidence.

Labcorp Genetics (formerly Invitae), Labcorp
Classification: Uncertain significance for Amyotrophic lateral sclerosis type 1; Neuronopathy, distal hereditary motor, type 7B; Perry syndrome. Last evaluated: 2025-02-05. Review status: criteria provided, single submitter. Criteria: Invitae Variant Classification Sherloc (09022015). Collection method: clinical testing. Allele origin: germline.
Comment: This sequence change replaces arginine, which is basic and polar, with tryptophan, which is neutral and slightly polar, at codon 148 of the DCTN1 protein (p.Arg148Trp). This variant is present in population databases (rs148810193, gnomAD 0.01%). This missense change has been observed in individual(s) with amyotrophic lateral sclerosis (ALS) (PMID: 23143281). ClinVar contains an entry for this variant (Variation ID: 447238). Invitae Evidence Modeling of protein sequence and biophysical properties (such as structural, functional, and spatial information, amino acid conservation, physicochemical variation, residue mobility, and thermodynamic stability) indicates that this missense variant is not expected to disrupt DCTN1 protein function with a negative predictive value of 95%. Experimental studies have shown that this missense change does not substantially affect DCTN1 function (PMID: 23143281). In summary, the available evidence is currently insufficient to determine the role of this variant in disease. Therefore, it has been classified as a Variant of Uncertain Significance.

Women's Health and Genetics/Laboratory Corporation of America, LabCorp
Classification: Uncertain significance. Last evaluated: 2024-11-19. Review status: criteria provided, single submitter. Criteria: LabCorp Variant Classification Summary - May 2015. Collection method: clinical testing. Allele origin: germline.
Comment: Variant summary: DCTN1 c.442C>T (p.Arg148Trp) results in a non-conservative amino acid change in the encoded protein sequence. Four of five in-silico tools predict a damaging effect of the variant on protein function. The variant allele was found at a frequency of 7.6e-05 in 251420 control chromosomes (gnomAD). This frequency is not higher than the estimated maximum for a pathogenic variant in DCTN1 causing Amyotrophic lateral sclerosis type 1, allowing no conclusion about variant significance. c.442C>T has been reported in the literature in a cohort of individuals affected with motor neuron disease (MND) (Stockmann_2013). Authors of this study also reported experimental evidence evaluating an impact on protein function and demonstrated that this variant didn't affect the filamentous pattern of microtubules in non-neuronal cells (Stockmann_2013). The following publication have been ascertained in the context of this evaluation (PMID: 23143281). ClinVar contains an entry for this variant (Variation ID: 447238). Based on the evidence outlined above, the variant was classified as uncertain significance.

Mayo Clinic Laboratories, Mayo Clinic
Classification: Uncertain significance. Last evaluated: 2023-03-10. Review status: criteria provided, single submitter. Criteria: ACMG Guidelines, 2015. Collection method: clinical testing. Allele origin: germline. Observed: 1 variant allele.

Baylor Genetics
Classification: Uncertain significance for Neuronopathy, distal hereditary motor, type 7B. Last evaluated: 2019-09-06. Review status: criteria provided, single submitter. Criteria: ACMG Guidelines, 2015. Collection method: clinical testing. Allele origin: unknown. Affected: yes.
Comment: This variant was determined to be of uncertain significance according to ACMG Guidelines, 2015 [PMID:25741868].

Athena Diagnostics
Classification: Likely benign. Last evaluated: 2017-11-16. Review status: criteria provided, single submitter. Criteria: Athena Diagnostics Criteria. Collection method: clinical testing. Allele origin: germline.

Literature cited by the submitters: PubMed 23143281 (cited by Labcorp Genetics (formerly Invitae), Labcorp and Women's Health and Genetics/Laboratory Corporation of America, LabCorp).